The following is an entry in ClinVar:

ClinVar aggregate classification (germline): Benign. Review status: criteria provided, multiple submitters, no conflicts (2 of 4 stars). 8 submissions from 7 submitters: Benign (8). Last evaluated 2025-02-01.

Conditions:
Noonan syndrome (NS). Also called: Noonan's syndrome. Identifiers: Orphanet 648, MedGen C0028326, MeSH D009634, MONDO:0018997. Disease mechanism: gain of function.
Metachondromatosis (METCDS). Identifiers: Orphanet 2499, MedGen C0410530, MONDO:0007979, OMIM 156250.
Juvenile myelomonocytic leukemia (JMML). Also called: LEUKEMIA, JUVENILE MYELOMONOCYTIC, SOMATIC. Identifiers: Orphanet 86834, MedGen C0349639, MONDO:0011908, OMIM 607785, HP:0012209.

Allele frequency attached by ClinVar (database versions not stated): 1000 Genomes Project 0.03654; 1000 Genomes Project 30x 0.03763; gnomAD 0.05308; TOPMed 0.05555; ESP Exome Variant Server 0.05697.
gnomAD v4.1: 111,679 of 1,584,378 alleles (7%); highest among the groups gnomAD compares: Middle Eastern, 12%; 4,395 homozygotes.

Submissions (8):

KCCC/NGS Laboratory, Kuwait Cancer Control Center
Classification: Benign for Metachondromatosis. Last evaluated: 2025-02-01. Review status: criteria provided, single submitter. Criteria: ACMG Guidelines, 2015. Collection method: clinical testing. Allele origin: germline. Affected: no.

KCCC/NGS Laboratory, Kuwait Cancer Control Center
Classification: Benign for Juvenile myelomonocytic leukemia. Last evaluated: 2023-07-07. Review status: criteria provided, single submitter. Criteria: ACMG Guidelines, 2015. Collection method: clinical testing. Allele origin: germline. Affected: yes.

ARUP Laboratories, Molecular Genetics and Genomics, ARUP Laboratories
Classification: Benign for Noonan syndrome. Last evaluated: 2018-09-25. Review status: criteria provided, single submitter. Criteria: ARUP Molecular Germline Variant Investigation Process. Collection method: clinical testing. Allele origin: germline.

Women's Health and Genetics/Laboratory Corporation of America, LabCorp
Classification: Benign. Last evaluated: 2017-11-28. Review status: criteria provided, single submitter. Criteria: LabCorp Variant Classification Summary - May 2015. Collection method: clinical testing. Allele origin: germline.
Comment: Variant summary: The PTPN11 c.854-21C>T variant involves the alteration of a non-conserved intronic nucleotide. One in silico tool predicts a benign outcome for this variant. 5/5 splice prediction tools predict no significant impact on normal splicing. ESE finder predicts that this variant may affect ESE site of SRp40, SF2/ASF and SC35. However, these predictions have yet to be confirmed by functional studies. This variant was found in 15911/276874 control chromosomes (626 homozygotes) at a frequency of 0.0574666, which is approximately 900 times the estimated maximal expected allele frequency of a pathogenic PTPN11 variant (0.0000625), suggesting this variant is likely a benign polymorphism. In addition, multiple clinical diagnostic laboratories/reputable databases classified this variant as benign. Taken together, this variant is classified as benign.

GeneDx
Classification: Benign. Last evaluated: 2015-03-03. Review status: criteria provided, single submitter. Criteria: GeneDx Variant Classification Process June 2021. Collection method: clinical testing. Allele origin: germline. Affected: yes.

Eurofins Ntd Llc (ga)
Classification: Benign. Last evaluated: 2013-03-01. Review status: criteria provided, single submitter. Criteria: EGL Classification Definitions 2015. Collection method: clinical testing. Allele origin: germline. Observed: 5 variant alleles, 4 heterozygotes, 1 homozygote.

Breakthrough Genomics
Classification: Benign. Review status: criteria provided, single submitter. Criteria: ACMG Guidelines, 2015. Collection method: not provided. Allele origin: germline. Inheritance: Autosomal dominant inheritance. Affected: yes.

PreventionGenetics, part of Exact Sciences
Classification: Benign. Review status: criteria provided, single submitter. Criteria: ACMG Guidelines, 2015. Collection method: clinical testing. Allele origin: germline.

Literature cited by the submitters: PubMed 27069254 (cited by Women's Health and Genetics/Laboratory Corporation of America, LabCorp); PubMed 17972951 (cited by Women's Health and Genetics/Laboratory Corporation of America, LabCorp); PubMed 14644997 (cited by Women's Health and Genetics/Laboratory Corporation of America, LabCorp); PubMed 15385933 (cited by Women's Health and Genetics/Laboratory Corporation of America, LabCorp); PubMed 25395418 (cited by Women's Health and Genetics/Laboratory Corporation of America, LabCorp); PubMed 19047918 (cited by Women's Health and Genetics/Laboratory Corporation of America, LabCorp).

NM_002834.5(PTPN11):c.854-21C>T

Gene: PTPN11 (protein tyrosine phosphatase non-receptor type 11; plus strand). Cytogenetic location: 12q24.13.
Variant type: single nucleotide variant.
Coding change: c.854-21C>T on transcript NM_002834.5 (MANE Select); 21 bases into the intron before coding-DNA position 854, C replaced by T.
Molecular consequence: intron variant.
Genome position (GRCh38, 1-based): chr12:112,477,630, C>T. VCF-style: chr12-112477630-C-T. GRCh37 (hg19) VCF-style: chr12-112915434-C-T.
Other names: c.854-21C>T (NM_002834.4, NM_001330437.2, NM_080601.3); c.851-21C>T (NM_001374625.1).
Identifiers: ClinVar variation 40532 (VCV000040532.19), dbSNP rs41279090, ClinGen allele CA130823.